The following is an entry in ClinVar:

NM_001353921.2(ARHGEF9):c.1034G>C (p.Arg345Pro)

Gene: ARHGEF9 (Cdc42 guanine nucleotide exchange factor 9; minus strand). Cytogenetic location: Xq11.1.
Variant type: single nucleotide variant.
Coding change: c.1034G>C on transcript NM_001353921.2 (MANE Select); coding-DNA position 1034, G replaced by C.
Protein change: p.Arg345Pro; replaces arginine 345 with proline.
Molecular consequence: missense variant. On other transcripts: intron variant (5).
Genome position (GRCh38, 1-based): chrX:63,665,929, C>G on the plus strand (G>C on the coding strand, the complement: ARHGEF9 is on the minus strand). VCF-style: chrX-63665929-C-G. GRCh37 (hg19) VCF-style: chrX-62885809-C-G.
Other names: c.854G>C, p.Arg285Pro (NM_001173479.2); c.707G>C, p.Arg236Pro (NM_001173480.2, NM_001369042.1); c.950G>C, p.Arg317Pro (NM_001330495.2, NM_001369033.1, NM_001369034.1 and 6 more transcripts); c.1052G>C, p.Arg351Pro (NM_001353923.1); c.833G>C, p.Arg278Pro (NM_001353924.2, NM_001353926.2, NM_001369039.1 and 1 more transcripts); c.1013G>C, p.Arg338Pro (NM_001369030.1, NM_001369031.1, NM_001369032.1 and 1 more transcripts); c.924+8109G>C (NM_001353928.2); c.945+8109G>C (NM_001353922.2); and 2 more; short protein forms R236P, R278P, R285P, R317P, R338P, R345P, R351P.
Identifiers: ClinVar variation 4855369 (VCV004855369.1).
Genomic context (GRCh38, chrX:63,665,929, plus strand): 5'-GAAGGGGGCAGGGTTACCTTCTTGCAGAGGACCATCTGGTGGTCAAACAGGAAGAAGACC[C>G]GCTGCTGGTTGCGGCCGTAGGGCTGGTAGATCCAGGCCATCTCCCCAGTGTAGATCAGCT-3'
Protein context (NP_001340850.1, residues 335-355): IYQPYGRNQQ[Arg345Pro]VFFLFDHQMV

ClinVar aggregate classification (germline): Uncertain significance (1 of 4 stars; one submission).

Conditions:
Developmental and epileptic encephalopathy, 8 (DEE8). Also called: HYPEREKPLEXIA AND EPILEPSY. Identifiers: Orphanet 163985, Orphanet 2076, MedGen C1845102, MONDO:0010375, OMIM 300607.

Submission:

3billion
Classification: Uncertain significance for Developmental and epileptic encephalopathy, 8. Last evaluated: 2025-12-16. Review status: criteria provided, single submitter. Criteria: ACMG Guidelines, 2015. Collection method: clinical testing. Allele origin: germline. Affected: yes.
Comment: The variant is not observed in the gnomAD v4.1.0 dataset. Predicted Consequence/Location: Missense variant In silico tool predictions suggest damaging effect of the variant on gene or gene product [REVEL: 0.94 (>=0.6, sensitivity 0.68 and specificity 0.92); 3Cnet: 0.99 (> 0.75, sensitivity 0.96 and precision 0.92)]. Different missense changes at the same codon (p.Arg345Gln, p.Arg345Trp) have been reported as pathogenic/likely pathogenic with strong evidence (ClinVar ID: VCV000225050, VCV001691741 /PMID: 26834553). Therefore, this variant is classified as VUS according to the recommendation of ACMG/AMP guideline.

Literature cited by the submitters: PubMed 26834553.